The following is an entry in ClinVar:

ClinVar aggregate classification (germline): Uncertain significance. Review status: criteria provided, multiple submitters, no conflicts (2 of 4 stars). 2 submissions from 2 submitters: Uncertain significance (2). Last evaluated 2024-12-23.

Conditions:
Hyperlipoproteinemia, type 1D. Also called: Hyperlipoproteinemia, type ID. Identifiers: Orphanet 444490, Orphanet 535458, MedGen C4014767, MONDO:0014412, OMIM 615947.

Submissions (2):

3billion
Classification: Uncertain significance for Hyperlipoproteinemia, type 1D. Last evaluated: 2024-12-23. Review status: criteria provided, single submitter. Criteria: ACMG Guidelines, 2015. Collection method: clinical testing. Allele origin: germline. Affected: yes.
Comment: The variant is not observed in the gnomAD v4.1.0 dataset. Predicted Consequence/Location: Missense variant. Missense changes are a common disease-causing mechanism. Damaging effect on gene or gene product predicted by in silico programs is uncertain [REVEL: 0.27 (damaging >=0.6, benign <0.4), 3Cnet: 0.32 (damaging >=0.6, benign <0.15)]. The variant has been reported as of uncertain significance (ClinVar ID: VCV002998052). Therefore, this variant is classified as VUS according to the recommendation of ACMG/AMP guideline.

Labcorp Genetics (formerly Invitae), Labcorp
Classification: Uncertain significance. Last evaluated: 2023-08-01. Review status: criteria provided, single submitter. Criteria: Invitae Variant Classification Sherloc (09022015). Collection method: clinical testing. Allele origin: germline.
Comment: In summary, the available evidence is currently insufficient to determine the role of this variant in disease. Therefore, it has been classified as a Variant of Uncertain Significance. An algorithm developed to predict the effect of missense changes on protein structure and function (PolyPhen-2) suggests that this variant is likely to be disruptive. This variant has not been reported in the literature in individuals affected with GPIHBP1-related conditions. This variant is not present in population databases (gnomAD no frequency). This sequence change replaces alanine, which is neutral and non-polar, with proline, which is neutral and non-polar, at codon 94 of the GPIHBP1 protein (p.Ala94Pro).

NM_178172.6(GPIHBP1):c.280G>C (p.Ala94Pro)

Gene: GPIHBP1 (glycosylphosphatidylinositol anchored high density lipoprotein binding protein 1; plus strand). Cytogenetic location: 8q24.3.
Variant type: single nucleotide variant.
Coding change: c.280G>C on transcript NM_178172.6 (MANE Select); coding-DNA position 280, G replaced by C.
Protein change: p.Ala94Pro; replaces alanine 94 with proline.
Molecular consequence: missense variant.
Genome position (GRCh38, 1-based): chr8:143,215,111, G>C. VCF-style: chr8-143215111-G-C. GRCh37 (hg19) VCF-style: chr8-144296986-G-C.
Other names: c.280G>C, p.Ala94Pro (NM_001301772.2); short protein forms A94P.
Identifiers: ClinVar variation 2998052 (VCV002998052.4), dbSNP rs2488908990, ClinGen allele CA372402146.